The following is an entry in ClinVar:

ClinVar aggregate classification (germline): Likely benign. Review status: criteria provided, multiple submitters, no conflicts (2 of 4 stars). 2 submissions from 2 submitters: Likely benign (2). Last evaluated 2026-05-01.

Conditions:
Developmental and epileptic encephalopathy, 36 (DEE36). Also called: Epileptic encephalopathy, early infantile, 36; ALG13-CDG; Congenital disorder of glycosylation, type Is. Identifiers: Orphanet 324422, MedGen C4317295, MONDO:0010472, OMIM 300884.

gnomAD v4.1: 2 of 1,211,497 alleles (0.00017%); highest among the groups gnomAD compares: Non-Finnish European, 0.00022%; no homozygotes.

Submissions (2):

CeGaT Center for Human Genetics Tuebingen
Classification: Likely benign. Last evaluated: 2026-05-01. Review status: criteria provided, single submitter. Criteria: CeGaT Center For Human Genetics Tuebingen Variant Classification Criteria Version 2. Collection method: clinical testing. Allele origin: germline. Affected: yes. Observed: 1 variant allele.
Comment: ALG13: BP4, BP7

Labcorp Genetics (formerly Invitae), Labcorp
Classification: Likely benign for Developmental and epileptic encephalopathy, 36. Last evaluated: 2024-05-21. Review status: criteria provided, single submitter. Criteria: Invitae Variant Classification Sherloc (09022015). Collection method: clinical testing. Allele origin: germline.

NM_001099922.3(ALG13):c.681C>G (p.Gly227=)

Gene: ALG13 (ALG13 UDP-N-acetylglucosaminyltransferase subunit; plus strand). Cytogenetic location: Xq23.
Variant type: single nucleotide variant.
Coding change: c.681C>G on transcript NM_001099922.3 (MANE Select); coding-DNA position 681, C replaced by G.
Protein change: p.Gly227=; no amino-acid change (glycine 227 retained).
Molecular consequence: synonymous variant. On other transcripts: non-coding transcript variant (1).
Genome position (GRCh38, 1-based): chrX:111,708,324, C>G. VCF-style: chrX-111708324-C-G. GRCh37 (hg19) VCF-style: chrX-110951552-C-G.
Other names: c.369C>G, p.Gly123= (NM_001257230.2, NM_001257234.2, NM_001257237.2 and 1 more transcripts); c.447C>G, p.Gly149= (NM_001257231.2); c.681C>G, p.Gly227= (NM_001324292.2).
Identifiers: ClinVar variation 1669143 (VCV001669143.10), dbSNP rs1939140318, ClinGen allele CA518114540.